The following is an entry in ClinVar:

ClinVar aggregate classification (germline): Uncertain significance (1 of 4 stars; one submission).

Submission:

GeneDx
Classification: Uncertain significance. Last evaluated: 2016-04-18. Review status: criteria provided, single submitter. Criteria: GeneDx Variant Classification (06012015). Collection method: clinical testing. Allele origin: germline. Affected: yes.
Comment: The A616V variant in the ATP2A2 gene has not been reported previously as a pathogenic variant, nor as a benign variant, to our knowledge. The A616V variant was not observed in approximately 6500 individuals of European and African American ancestry in the NHLBI Exome Sequencing Project, indicating it is not a common benign variant in these populations. The A616V variant is a conservative amino acid substitution, which is not likely to impact secondary protein structure as these residues share similar properties. This substitution occurs at a position that is conserved across species. In silico analysis predicts this variant is probably damaging to the protein structure/function. We interpret A616V as a variant of uncertain significance.

NM_170665.4(ATP2A2):c.1847C>T (p.Ala616Val)

Genes: ATP2A2 (ATPase sarcoplasmic/endoplasmic reticulum Ca2+ transporting 2; plus strand), LOC126861637 (MED14-independent group 3 enhancer GRCh37_chr12:110778306-110779505; plus strand). Cytogenetic location: 12q24.11.
Variant type: single nucleotide variant.
Coding change: c.1847C>T on transcript NM_170665.4 (MANE Select); coding-DNA position 1847, C replaced by T.
Protein change: p.Ala616Val; replaces alanine 616 with valine.
Molecular consequence: missense variant.
Genome position (GRCh38, 1-based): chr12:110,340,744, C>T. VCF-style: chr12-110340744-C-T. GRCh37 (hg19) VCF-style: chr12-110778549-C-T.
Other names: c.1847C>T, p.Ala616Val (NM_001681.4); short protein forms A616V.
Identifiers: ClinVar variation 385758 (VCV000385758.2), dbSNP rs1057522321, ClinGen allele CA16606470.